The following is an entry in ClinVar:

ClinVar aggregate classification (germline): Uncertain significance (1 of 4 stars; one submission).

Conditions:
Hereditary cancer-predisposing syndrome. Also called: Neoplastic Syndromes, Hereditary; Tumor predisposition; Hereditary Cancer Syndrome; Hereditary neoplastic syndrome. Identifiers: Orphanet 140162, MedGen C0027672, MeSH D009386, MONDO:0015356.

Submission:

Ambry Genetics
Classification: Uncertain significance for Hereditary cancer-predisposing syndrome. Last evaluated: 2025-10-22. Review status: criteria provided, single submitter. Criteria: Ambry Variant Classification Scheme 2023. Collection method: clinical testing. Allele origin: germline.
Comment: The p.V440I variant (also known as c.1318G>A), located in coding exon 12 of the EGFR gene, results from a G to A substitution at nucleotide position 1318. The valine at codon 440 is replaced by isoleucine, an amino acid with highly similar properties. This amino acid position is conserved. In addition, this alteration is predicted to be tolerated by in silico analysis. Based on the available evidence, the clinical significance of this variant remains unclear.

NM_005228.5(EGFR):c.1318G>A (p.Val440Ile)

Gene: EGFR (epidermal growth factor receptor; plus strand). Cytogenetic location: 7p11.2.
Variant type: single nucleotide variant.
Coding change: c.1318G>A on transcript NM_005228.5 (MANE Select); coding-DNA position 1318, G replaced by A.
Protein change: p.Val440Ile; replaces valine 440 with isoleucine.
Molecular consequence: missense variant.
Genome position (GRCh38, 1-based): chr7:55,160,158, G>A. VCF-style: chr7-55160158-G-A. GRCh37 (hg19) VCF-style: chr7-55227851-G-A.
Other names: c.1183G>A, p.Val395Ile (NM_001346897.2, NM_001346899.2); c.1318G>A, p.Val440Ile (NM_001346898.2, NM_201282.2, NM_201284.2); c.1159G>A, p.Val387Ile (NM_001346900.2); c.517G>A, p.Val173Ile (NM_001346941.2); short protein forms V387I, V440I, V173I, V395I.
Identifiers: ClinVar variation 4639079 (VCV004639079.1).